The following is an entry in ClinVar:

NM_176787.5(PIGN):c.626A>G (p.His209Arg)

Gene: PIGN (phosphatidylinositol glycan anchor biosynthesis class N; minus strand). Cytogenetic location: 18q21.33.
Variant type: single nucleotide variant.
Coding change: c.626A>G on transcript NM_176787.5 (MANE Select); coding-DNA position 626, A replaced by G.
Protein change: p.His209Arg; replaces histidine 209 with arginine.
Molecular consequence: missense variant.
Genome position (GRCh38, 1-based): chr18:62,148,262, T>C on the plus strand (A>G on the coding strand, the complement: PIGN is on the minus strand). VCF-style: chr18-62148262-T-C. GRCh37 (hg19) VCF-style: chr18-59815495-T-C.
Other names: c.626A>G, p.His209Arg (NM_001438896.1, NM_001438904.1, NM_001438905.1 and 2 more transcripts); short protein forms H209R.
Identifiers: ClinVar variation 4884824 (VCV004884824.2).

ClinVar aggregate classification (germline): Uncertain significance. Review status: criteria provided, single submitter (1 of 4 stars). 2 submissions from 2 submitters: Uncertain significance (1). 1 of the submissions does not count toward it. Last evaluated 2018-11-26.

Conditions:
Multiple congenital anomalies-hypotonia-seizures syndrome 1 (MCAHS1). Also called: GLYCOSYLPHOSPHATIDYLINOSITOL BIOSYNTHESIS DEFECT 3; PIGN-CDG; Congenital disorder of glycosylation due to PIGN deficiency. Identifiers: Orphanet 280633, MedGen C3279775, MONDO:0013563, OMIM 614080.

gnomAD v4.1: 1 of 1,538,782 alleles (0.000065%); highest among the groups gnomAD compares: South Asian, 0.0012%; no homozygotes.

Submissions (2):

Blueprint Genetics
Classification: Uncertain significance. Last evaluated: 2018-11-26. Review status: criteria provided, single submitter. Criteria: ACMG Guidelines, 2015. Collection method: clinical testing. Allele origin: germline.

Hong-Tao Li Lab, Institute of Brain Science and Brain-inspired Research, Shandong First Medical University & Shandong Academy of Medical Sciences China
Classification: Uncertain significance for Multiple congenital anomalies-hypotonia-seizures syndrome 1. Review status: no assertion criteria provided. Collection method: research. Allele origin: germline. Inheritance: Autosomal recessive inheritance. Affected: yes. Observed: 1 variant allele, 1 homozygote. Not counted in ClinVar's aggregate classification.
Comment: Observed in affected individuals from a Pakistani neurodevelopmental-disorder research cohort of 263 individuals. Classification assigned using the ACMG/AMP framework.